The following is an entry in ClinVar:

NM_001278512.2(AP3B2):c.15del (p.Ala6fs)

Gene: AP3B2 (adaptor related protein complex 3 subunit beta 2; minus strand). Cytogenetic location: 15q25.2.
Variant type: Deletion.
Coding change: c.15del on transcript NM_001278512.2 (MANE Select); coding-DNA position 15, one base deleted (C; older notation c.15delC).
Protein change: p.Ala6fs; shifts the reading frame from alanine 6.
Molecular consequence: frameshift variant.
Genome position (GRCh38, 1-based): chr15:82,709,692, G deleted on the plus strand (C on the coding strand, the reverse complement: AP3B2 is on the minus strand); the first of 5 consecutive G bases (chr15:82,709,692-82,709,696); deleting any one gives the same sequence. VCF-style (leftmost placement, unchanged base first): chr15-82709691-CG-C. GRCh37 (hg19) VCF-style: chr15-83378443-CG-C.
Other names: c.15del, p.Ala6fs (NM_001278511.2, NM_001348440.2, NM_004644.5); short protein forms A6fs.
Identifiers: ClinVar variation 1369595 (VCV001369595.6), dbSNP rs1409976651, ClinGen allele CA619001304.
Genomic context (GRCh38, chr15:82,709,691, plus strand): 5'-GGTCGTGGCCGTACTCGGGCTCCCCGGGGCCAGCGGAGCCGCCCTTGTCTTCGCTGTAGG[CG>C]GGGGCGGCCGACATGGGGCGGCCAGGGAGACTTCGCCGAGGAGGAGGTTGCGGGGCCGGA-3'

ClinVar aggregate classification (germline): Pathogenic (1 of 4 stars; one submission).

Submission:

Labcorp Genetics (formerly Invitae), Labcorp
Classification: Pathogenic. Last evaluated: 2021-01-29. Review status: criteria provided, single submitter. Criteria: Invitae Variant Classification Sherloc (09022015). Collection method: clinical testing. Allele origin: germline.
Comment: This variant has not been reported in the literature in individuals with AP3B2-related conditions. The frequency data for this variant in the population databases is considered unreliable, as metrics indicate insufficient coverage at this position in the ExAC database. This sequence change creates a premature translational stop signal (p.Ala6Profs*37) in the AP3B2 gene. It is expected to result in an absent or disrupted protein product. Loss-of-function variants in AP3B2 are known to be pathogenic (PMID: 27889060). For these reasons, this variant has been classified as Pathogenic.

Literature cited by the submitters: PubMed 27889060.